The following is an entry in ClinVar:

ClinVar aggregate classification (germline): Pathogenic (1 of 4 stars; one submission).

Conditions:
Giant axonal neuropathy 1 (GAN1). Also called: GIANT AXONAL NEUROPATHY 1, AUTOSOMAL RECESSIVE; GAN-Related Neurodegeneration. Identifiers: Orphanet 643, MedGen C1850386, MONDO:0009749, OMIM 256850.

Submission:

Labcorp Genetics (formerly Invitae), Labcorp
Classification: Pathogenic for Giant axonal neuropathy 1. Last evaluated: 2024-08-06. Review status: criteria provided, single submitter. Criteria: Invitae Variant Classification Sherloc (09022015). Collection method: clinical testing. Allele origin: germline.
Comment: This sequence change creates a premature translational stop signal (p.Glu260Glyfs*13) in the GAN gene. It is expected to result in an absent or disrupted protein product. Loss-of-function variants in GAN are known to be pathogenic (PMID: 12655563, 14718689, 23890932). This variant is not present in population databases (gnomAD no frequency). This variant has not been reported in the literature in individuals affected with GAN-related conditions. For these reasons, this variant has been classified as Pathogenic.

Literature cited by the submitters: PubMed 12655563; PubMed 14718689; PubMed 23890932.

NM_022041.4(GAN):c.779_780del (p.Glu260fs)

Gene: GAN (gigaxonin; plus strand). Cytogenetic location: 16q23.2.
Variant type: Deletion.
Coding change: c.779_780del on transcript NM_022041.4 (MANE Select); coding-DNA positions 779 to 780, 2 bases deleted (AG; older notation c.779_780delAG).
Protein change: p.Glu260fs; shifts the reading frame from glutamic acid 260.
Molecular consequence: frameshift variant.
Genome position (GRCh38, 1-based): chr16:81,356,930-81,356,931, AG deleted; deleting any 2 consecutive bases within chr16:81,356,929-81,356,931 gives the same sequence; the c. name uses the placement nearest the transcript's 3' end. VCF-style (leftmost placement, unchanged base first): chr16-81356928-GGA-G. GRCh37 (hg19) VCF-style: chr16-81390533-GGA-G.
Other names: c.140_141del, p.Glu47fs (NM_001377486.1); short protein forms E260fs, E47fs.
Identifiers: ClinVar variation 2759652 (VCV002759652.3), dbSNP rs2507733062, ClinGen allele CA2697555965.